The following is an entry in ClinVar:

NM_000350.3(ABCA4):c.1482G>A (p.Met494Ile)

Gene: ABCA4 (ATP binding cassette subfamily A member 4; minus strand). Cytogenetic location: 1p22.1.
Variant type: single nucleotide variant.
Coding change: c.1482G>A on transcript NM_000350.3 (MANE Select); coding-DNA position 1482, G replaced by A.
Protein change: p.Met494Ile; replaces methionine 494 with isoleucine.
Molecular consequence: missense variant.
Genome position (GRCh38, 1-based): chr1:94,077,762, C>T on the plus strand (G>A on the coding strand, the complement: ABCA4 is on the minus strand). VCF-style: chr1-94077762-C-T. GRCh37 (hg19) VCF-style: chr1-94543318-C-T.
Other names: c.1482G>A, p.Met494Ile (NM_001425324.1); short protein forms M494I.
Identifiers: ClinVar variation 2003853 (VCV002003853.4), dbSNP rs2523890900, ClinGen allele CA341281942.

ClinVar aggregate classification (germline): Uncertain significance (1 of 4 stars; one submission).

Allele frequency attached by ClinVar (database versions not stated): gnomAD exomes below 0.00001.
gnomAD v4.1: 1 of 1,614,160 alleles (0.000062%); highest among the groups gnomAD compares: Non-Finnish European, 0.000085%; no homozygotes.

Submission:

Labcorp Genetics (formerly Invitae), Labcorp
Classification: Uncertain significance. Last evaluated: 2022-06-09. Review status: criteria provided, single submitter. Criteria: Invitae Variant Classification Sherloc (09022015). Collection method: clinical testing. Allele origin: germline.
Comment: In summary, the available evidence is currently insufficient to determine the role of this variant in disease. Therefore, it has been classified as a Variant of Uncertain Significance. Advanced modeling of protein sequence and biophysical properties (such as structural, functional, and spatial information, amino acid conservation, physicochemical variation, residue mobility, and thermodynamic stability) performed at Invitae indicates that this missense variant is not expected to disrupt ABCA4 protein function. This variant has not been reported in the literature in individuals affected with ABCA4-related conditions. This variant is not present in population databases (gnomAD no frequency). This sequence change replaces methionine, which is neutral and non-polar, with isoleucine, which is neutral and non-polar, at codon 494 of the ABCA4 protein (p.Met494Ile).